The following is an entry in ClinVar:

ClinVar aggregate classification (germline): Uncertain significance (1 of 4 stars; one submission).

Conditions:
Charcot-Marie-Tooth disease axonal type 2F (CMT2F). Also called: CHARCOT-MARIE-TOOTH DISEASE, NEURONAL, TYPE 2F; Charcot-Marie-Tooth Neuropathy Type 2F. Identifiers: Orphanet 99940, MedGen C1847823, MONDO:0011687, OMIM 606595.

Allele frequency attached by ClinVar (database versions not stated): gnomAD 0.00001.
gnomAD v4.1: 1 of 1,613,736 alleles (0.000062%); highest among the groups gnomAD compares: Non-Finnish European, 0.000085%; no homozygotes.

Submission:

Labcorp Genetics (formerly Invitae), Labcorp
Classification: Uncertain significance for Charcot-Marie-Tooth disease axonal type 2F. Last evaluated: 2021-04-11. Review status: criteria provided, single submitter. Criteria: Invitae Variant Classification Sherloc (09022015). Collection method: clinical testing. Allele origin: germline.
Comment: In summary, the available evidence is currently insufficient to determine the role of this variant in disease. Therefore, it has been classified as a Variant of Uncertain Significance. This variant disrupts the p.Thr164 amino acid residue in HSPB1. Other variant(s) that disrupt this residue have been observed in individuals with HSPB1-related conditions (PMID: 22206013), which suggests that this may be a clinically significant amino acid residue. Algorithms developed to predict the effect of missense changes on protein structure and function are either unavailable or do not agree on the potential impact of this missense change (SIFT: "Tolerated"; PolyPhen-2: "Possibly Damaging"; Align-GVGD: "Class C15"). This variant has been observed in individual(s) with clinical features of HSPB1-related conditions (Invitae). This variant is not present in population databases (ExAC no frequency). This sequence change replaces threonine with isoleucine at codon 164 of the HSPB1 protein (p.Thr164Ile). The threonine residue is highly conserved and there is a moderate physicochemical difference between threonine and isoleucine.

Literature cited by the submitters: PubMed 22206013.

NM_001540.5(HSPB1):c.491C>T (p.Thr164Ile)

Gene: HSPB1 (heat shock protein family B (small) member 1; plus strand). Cytogenetic location: 7q11.23.
Variant type: single nucleotide variant.
Coding change: c.491C>T on transcript NM_001540.5 (MANE Select); coding-DNA position 491, C replaced by T.
Protein change: p.Thr164Ile; replaces threonine 164 with isoleucine.
Molecular consequence: missense variant.
Genome position (GRCh38, 1-based): chr7:76,304,046, C>T. VCF-style: chr7-76304046-C-T. GRCh37 (hg19) VCF-style: chr7-75933363-C-T.
Other names: short protein forms T164I.
Identifiers: ClinVar variation 1525402 (VCV001525402.8), dbSNP rs1193492001, ClinGen allele CA367765984.